The following is an entry in ClinVar:

ClinVar aggregate classification (germline): Likely benign (1 of 4 stars; one submission).

gnomAD v4.1: 7,264 of 1,555,910 alleles (0.47%); highest among the groups gnomAD compares: Non-Finnish European, 0.56%; 22 homozygotes.

Submission:

CeGaT Center for Human Genetics Tuebingen
Classification: Likely benign. Last evaluated: 2026-05-01. Review status: criteria provided, single submitter. Criteria: CeGaT Center For Human Genetics Tuebingen Variant Classification Criteria Version 2. Collection method: clinical testing. Allele origin: germline. Affected: yes. Observed: 1 variant allele.
Comment: COX18: BS2

NM_001297732.2(COX18):c.47T>C (p.Leu16Pro)

Gene: COX18 (cytochrome c oxidase assembly factor COX18; minus strand). Cytogenetic location: 4q13.3.
Variant type: single nucleotide variant.
Coding change: c.47T>C on transcript NM_001297732.2 (MANE Select); coding-DNA position 47, T replaced by C.
Protein change: p.Leu16Pro; replaces leucine 16 with proline.
Molecular consequence: missense variant. On other transcripts: 5 prime UTR variant (1).
Genome position (GRCh38, 1-based): chr4:73,069,603, A>G on the plus strand (T>C on the coding strand, the complement: COX18 is on the minus strand). VCF-style: chr4-73069603-A-G. GRCh37 (hg19) VCF-style: chr4-73935320-A-G.
Other names: c.-411T>C (NM_001297733.2); c.157T>C, p.Cys53Arg (NM_001300729.1); c.47T>C, p.Leu16Pro (NM_173827.4); short protein forms C53R, L16P.
Identifiers: ClinVar variation 4872070 (VCV004872070.2).